The following is an entry in ClinVar:

NM_001127644.2(GABRA1):c.280C>T (p.Arg94Cys)

Gene: GABRA1 (gamma-aminobutyric acid type A receptor subunit alpha1; plus strand). Cytogenetic location: 5q34.
Variant type: single nucleotide variant.
Coding change: c.280C>T on transcript NM_001127644.2 (MANE Select); coding-DNA position 280, C replaced by T.
Protein change: p.Arg94Cys; replaces arginine 94 with cysteine.
Molecular consequence: missense variant.
Genome position (GRCh38, 1-based): chr5:161,873,141, C>T. VCF-style: chr5-161873141-C-T. GRCh37 (hg19) VCF-style: chr5-161300147-C-T.
Other names: c.280C>T, p.Arg94Cys (NM_000806.5, NM_001127643.2, NM_001127645.2 and 1 more transcripts); short protein forms R94C.
Identifiers: ClinVar variation 1708920 (VCV001708920.4), dbSNP rs1457242041, ClinGen allele CA362178713.

ClinVar aggregate classification (germline): Conflicting classifications of pathogenicity. Review status: criteria provided, conflicting classifications (1 of 4 stars). 2 submissions from 2 submitters: Likely pathogenic (1); Uncertain significance (1). Last evaluated 2024-09-12.

Conditions:
Inborn genetic diseases. Identifiers: MedGen C0950123, MeSH D030342.

Allele frequency attached by ClinVar (database versions not stated): gnomAD exomes below 0.00001.
gnomAD v4.1: 2 of 1,612,512 alleles (0.00012%); highest among the groups gnomAD compares: Non-Finnish European, 0.00017%; no homozygotes.

Submissions (2):

Ambry Genetics
Classification: Likely pathogenic for Inborn genetic diseases. Last evaluated: 2024-09-12. Review status: criteria provided, single submitter. Criteria: Ambry Variant Classification Scheme 2023. Collection method: clinical testing. Allele origin: germline.
Comment: The c.280C>T (p.R94C) alteration is located in exon 6 (coding exon 4) of the GABRA1 gene. This alteration results from a C to T substitution at nucleotide position 280, causing the arginine (R) at amino acid position 94 to be replaced by a cysteine (C). Based on data from gnomAD, the T allele has an overall frequency of <0.001% (1/250776) total alleles studied. The highest observed frequency was 0.001% (1/113266) of European (non-Finnish) alleles. This amino acid position is highly conserved in available vertebrate species. This missense alteration is located in a region that has a low rate of benign missense variation (Lek, 2016; Firth, 2009). This alteration is predicted to be deleterious by in silico analysis. Based on the available evidence, this alteration is classified as likely pathogenic.

GeneDx
Classification: Uncertain significance. Last evaluated: 2023-06-12. Review status: criteria provided, single submitter. Criteria: GeneDx Variant Classification Process June 2021. Collection method: clinical testing. Allele origin: germline. Affected: yes.
Comment: Not observed at significant frequency in large population cohorts (gnomAD); In silico analysis supports that this missense variant has a deleterious effect on protein structure/function; In silico analysis is inconclusive as to whether the variant alters gene splicing. In the absence of RNA/functional studies, the actual effect of this sequence change is unknown.; Has not been previously published as pathogenic or benign to our knowledge